The following is an entry in ClinVar:

NM_001134363.3(RBM20):c.2213C>T (p.Pro738Leu)

Gene: RBM20 (RNA binding motif protein 20; plus strand). Cytogenetic location: 10q25.2.
Variant type: single nucleotide variant.
Coding change: c.2213C>T on transcript NM_001134363.3 (MANE Select); coding-DNA position 2213, C replaced by T.
Protein change: p.Pro738Leu; replaces proline 738 with leucine.
Molecular consequence: missense variant.
Genome position (GRCh38, 1-based): chr10:110,812,610, C>T. VCF-style: chr10-110812610-C-T. GRCh37 (hg19) VCF-style: chr10-112572368-C-T.
Other names: p.P738L:CCG>CTG; short protein forms P738L.
Identifiers: ClinVar variation 43987 (VCV000043987.29), dbSNP rs397516601, ClinGen allele CA133307.

ClinVar aggregate classification (germline): Conflicting classifications of pathogenicity. Review status: criteria provided, conflicting classifications (1 of 4 stars). 10 submissions from 10 submitters: Uncertain significance (1); Likely benign (6). 3 of the submissions do not count toward it. Last evaluated 2026-01-11.

Conditions:
RBM20-related disorder. Also called: RBM20-related condition.
Cardiovascular phenotype. Identifiers: MedGen CN230736.
Dilated cardiomyopathy 1DD (CMD1DD). Identifiers: Orphanet 154, MedGen C2750995, MONDO:0013168, OMIM 613172.

Allele frequency attached by ClinVar (database versions not stated): gnomAD below 0.00001 and 0.00015; TOPMed 0.00001; gnomAD exomes 0.00056; ExAC 0.00131; 1000 Genomes Project 30x 0.00141; 1000 Genomes Project 0.00180.
gnomAD v4.1: 375 of 1,551,624 alleles (0.024%); highest among the groups gnomAD compares: South Asian, 0.41%; 3 homozygotes.

Submissions (10):

Labcorp Genetics (formerly Invitae), Labcorp
Classification: Likely benign for Dilated cardiomyopathy 1DD. Last evaluated: 2026-01-11. Review status: criteria provided, single submitter. Criteria: Invitae Variant Classification Sherloc (09022015). Collection method: clinical testing. Allele origin: germline.

Women's Health and Genetics/Laboratory Corporation of America, LabCorp
Classification: Likely benign. Last evaluated: 2025-09-14. Review status: criteria provided, single submitter. Criteria: LabCorp Variant Classification Summary - May 2015. Collection method: clinical testing. Allele origin: germline.

Blueprint Genetics
Classification: Likely benign. Last evaluated: 2024-05-28. Review status: criteria provided, single submitter. Criteria: ACMG Guidelines, 2015. Collection method: clinical testing. Allele origin: germline.

GeneDx
Classification: Likely benign. Last evaluated: 2021-01-26. Review status: criteria provided, single submitter. Criteria: GeneDx Variant Classification Process June 2021. Collection method: clinical testing. Allele origin: germline. Affected: yes.

Ambry Genetics
Classification: Likely benign for Cardiovascular phenotype. Last evaluated: 2020-03-28. Review status: criteria provided, single submitter. Criteria: Ambry Variant Classification Scheme 2023. Collection method: clinical testing. Allele origin: germline.

Illumina Laboratory Services, Illumina
Classification: Uncertain significance for Dilated cardiomyopathy 1DD. Last evaluated: 2018-01-13. Review status: criteria provided, single submitter. Criteria: ICSL Variant Classification Criteria 13 December 2019. Collection method: clinical testing. Allele origin: germline.

Laboratory for Molecular Medicine, Mass General Brigham Personalized Medicine
Classification: Likely benign. Last evaluated: 2014-09-29. Review status: criteria provided, single submitter. Criteria: LMM Criteria. Collection method: clinical testing. Allele origin: germline. Observed: 2 variant alleles.
Comment: Phe738Leu in exon 9 of RBM20: This variant is not expected to have clinical sign ificance due to a lack of evolutionary conservation of the affected amino acid. Of note, >25 mammals, including 6 primates, have a leucine (Leu) at this positio n despite high nearby amino acid conservation, suggesting that this change is to lerated.

PreventionGenetics, part of Exact Sciences
Classification: Likely benign for RBM20-related condition. Last evaluated: 2022-02-07. Review status: no assertion criteria provided. Collection method: clinical testing. Allele origin: germline. Not counted in ClinVar's aggregate classification.
Comment: This variant is classified as likely benign based on ACMG/AMP sequence variant interpretation guidelines (Richards et al. 2015 PMID: 25741868, with internal and published modifications).

Clinical Genetics DNA and cytogenetics Diagnostics Lab, Erasmus MC, Erasmus Medical Center
Classification: Likely benign. Review status: no assertion criteria provided. Collection method: clinical testing. Allele origin: germline. Affected: yes. Study: VKGL Data-share Consensus. Not counted in ClinVar's aggregate classification.

Clinical Genetics, Academic Medical Center
Classification: Benign. Review status: no assertion criteria provided. Collection method: clinical testing. Allele origin: germline. Affected: yes. Study: VKGL Data-share Consensus. Not counted in ClinVar's aggregate classification.

Literature cited by the submitters: PubMed 24503780 (cited by Ambry Genetics and Laboratory for Molecular Medicine, Mass General Brigham Personalized Medicine); PubMed 25351510 (cited by Ambry Genetics).